The following is an entry in ClinVar:

ClinVar aggregate classification (germline): Uncertain significance (1 of 4 stars; one submission).

Allele frequency attached by ClinVar (database versions not stated): gnomAD exomes below 0.00001; ExAC 0.00001; gnomAD 0.00001; TOPMed 0.00001.
gnomAD v4.1: 2 of 1,603,010 alleles (0.00012%); highest among the groups gnomAD compares: Admixed American, 0.0033%; no homozygotes.

Submission:

Labcorp Genetics (formerly Invitae), Labcorp
Classification: Uncertain significance. Last evaluated: 2022-08-08. Review status: criteria provided, single submitter. Criteria: Invitae Variant Classification Sherloc (09022015). Collection method: clinical testing. Allele origin: germline.
Comment: In summary, the available evidence is currently insufficient to determine the role of this variant in disease. Therefore, it has been classified as a Variant of Uncertain Significance. Algorithms developed to predict the effect of missense changes on protein structure and function (SIFT, PolyPhen-2, Align-GVGD) all suggest that this variant is likely to be tolerated. This variant has not been reported in the literature in individuals affected with GNAT2-related conditions. This variant is present in population databases (rs750410966, gnomAD 0.003%). This sequence change replaces asparagine, which is neutral and polar, with aspartic acid, which is acidic and polar, at codon 293 of the GNAT2 protein (p.Asn293Asp).

NM_001377295.2(GNAT2):c.877A>G (p.Asn293Asp)

Gene: GNAT2 (G protein subunit alpha transducin 2; minus strand). Cytogenetic location: 1p13.3.
Variant type: single nucleotide variant.
Coding change: c.877A>G on transcript NM_001377295.2 (MANE Select); coding-DNA position 877, A replaced by G.
Protein change: p.Asn293Asp; replaces asparagine 293 with aspartic acid.
Molecular consequence: missense variant.
Genome position (GRCh38, 1-based): chr1:109,603,542, T>C on the plus strand (A>G on the coding strand, the complement: GNAT2 is on the minus strand). VCF-style: chr1-109603542-T-C. GRCh37 (hg19) VCF-style: chr1-110146164-T-C.
Other names: c.877A>G, p.Asn293Asp (NM_001379232.1, NM_005272.5); short protein forms N293D.
Identifiers: ClinVar variation 2413242 (VCV002413242.6), dbSNP rs750410966, ClinGen allele CA992280.